The following is an entry in ClinVar:

ClinVar aggregate classification (germline): Likely benign (1 of 4 stars; one submission).

gnomAD v4.1: 286 of 1,614,022 alleles (0.018%); highest among the groups gnomAD compares: Non-Finnish European, 0.012%; no homozygotes.

Submission:

CeGaT Center for Human Genetics Tuebingen
Classification: Likely benign. Last evaluated: 2025-07-01. Review status: criteria provided, single submitter. Criteria: CeGaT Center For Human Genetics Tuebingen Variant Classification Criteria Version 2. Collection method: clinical testing. Allele origin: germline. Affected: yes. Observed: 2 variant alleles.
Comment: AGO2: BP4, BP7

NM_012154.5(AGO2):c.135C>T (p.Phe45=)

Gene: AGO2 (argonaute RISC catalytic component 2; minus strand). Cytogenetic location: 8q24.3.
Variant type: single nucleotide variant.
Coding change: c.135C>T on transcript NM_012154.5 (MANE Select); coding-DNA position 135, C replaced by T.
Protein change: p.Phe45=; no amino-acid change (phenylalanine 45 retained).
Molecular consequence: synonymous variant.
Genome position (GRCh38, 1-based): chr8:140,585,199, G>A on the plus strand (C>T on the coding strand, the complement: AGO2 is on the minus strand). VCF-style: chr8-140585199-G-A. GRCh37 (hg19) VCF-style: chr8-141595298-G-A.
Other names: c.135C>T, p.Phe45= (NM_001164623.3).
Identifiers: ClinVar variation 3770965 (VCV003770965.13).
Genomic context (GRCh38, chr8:140,585,199, plus strand): 5'-CTTCTCTGGCTTGATATCCAATTCATAATGATAGATGTCAATTTTGGGGATGTCCATTTC[G>A]AAGAAATTGGCCTGTAATTTGATTGTTCTCCCGGAGGTCCCAAAGTCGGGTCTAGGTGGA-3'
Protein context (NP_036286.2, residues 35-55): GRTIKLQANF[Phe45=]EMDIPKIDIY